The following is an entry in ClinVar:

ClinVar aggregate classification (germline): Uncertain significance (1 of 4 stars; one submission).

Conditions:
Fanconi anemia (FA). Also called: Fanconi's anemia. Identifiers: Orphanet 84, MedGen C0015625, MeSH D005199, MONDO:0019391.

Allele frequency attached by ClinVar (database versions not stated): gnomAD exomes below 0.00001.

Submission:

Labcorp Genetics (formerly Invitae), Labcorp
Classification: Uncertain significance for Fanconi anemia. Last evaluated: 2022-06-21. Review status: criteria provided, single submitter. Criteria: Invitae Variant Classification Sherloc (09022015). Collection method: clinical testing. Allele origin: germline.
Comment: Algorithms developed to predict the effect of missense changes on protein structure and function are either unavailable or do not agree on the potential impact of this missense change (SIFT: "Deleterious"; PolyPhen-2: "Probably Damaging"; Align-GVGD: "Class C0"). In summary, the available evidence is currently insufficient to determine the role of this variant in disease. Therefore, it has been classified as a Variant of Uncertain Significance. This variant has not been reported in the literature in individuals affected with SLX4-related conditions. This variant is not present in population databases (gnomAD no frequency). This sequence change replaces threonine, which is neutral and polar, with isoleucine, which is neutral and non-polar, at codon 1127 of the SLX4 protein (p.Thr1127Ile).

NM_032444.4(SLX4):c.3380C>T (p.Thr1127Ile)

Gene: SLX4 (SLX4 structure-specific endonuclease subunit; minus strand). Cytogenetic location: 16p13.3.
Variant type: single nucleotide variant.
Coding change: c.3380C>T on transcript NM_032444.4 (MANE Select); coding-DNA position 3380, C replaced by T.
Protein change: p.Thr1127Ile; replaces threonine 1127 with isoleucine.
Molecular consequence: missense variant.
Genome position (GRCh38, 1-based): chr16:3,590,258, G>A on the plus strand (C>T on the coding strand, the complement: SLX4 is on the minus strand). VCF-style: chr16-3590258-G-A. GRCh37 (hg19) VCF-style: chr16-3640259-G-A.
Other names: short protein forms T1127I.
Identifiers: ClinVar variation 1951004 (VCV001951004.5), dbSNP rs2040567807, ClinGen allele CA394520263.
Genomic context (GRCh38, chr16:3,590,258, plus strand): 5'-TCGTTCAGTTTGGATGAAGATTTCTGAGATCTGGAGCTCGAATGGTCAGGATTTGACTGG[G>A]TTAGGTCAATAGACGGAGATTTTTCTGGGAACATCAGGACCCCCTTATTTCTGCACTCCA-3'
Protein context (NP_115820.2, residues 1117-1137): FPEKSPSIDL[Thr1127Ile]QSNPDHSSSR